The following is an entry in ClinVar:

NM_000535.7(PMS2):c.1484G>A (p.Gly495Glu)

Gene: PMS2 (PMS1 homolog 2, mismatch repair system component; minus strand). Cytogenetic location: 7p22.1.
Variant type: single nucleotide variant.
Coding change: c.1484G>A on transcript NM_000535.7 (MANE Select); coding-DNA position 1484, G replaced by A.
Protein change: p.Gly495Glu; replaces glycine 495 with glutamic acid.
Molecular consequence: missense variant. On other transcripts: non-coding transcript variant (1).
Genome position (GRCh38, 1-based): chr7:5,987,281, C>T on the plus strand (G>A on the coding strand, the complement: PMS2 is on the minus strand). VCF-style: chr7-5987281-C-T. GRCh37 (hg19) VCF-style: chr7-6026912-C-T.
Other names: c.1484G>A (NM_000535.5); c.1079G>A, p.Gly360Glu (NM_001322003.2, NM_001322004.2, NM_001322005.2 and 1 more transcripts); c.1328G>A, p.Gly443Glu (NM_001322006.2); c.1166G>A, p.Gly389Glu (NM_001322007.2, NM_001322008.2); c.923G>A, p.Gly308Glu (NM_001322010.2); c.551G>A, p.Gly184Glu (NM_001322011.2, NM_001322012.2); c.911G>A, p.Gly304Glu (NM_001322013.2); c.1484G>A, p.Gly495Glu (NM_001322014.2); and 1 more; short protein forms G184E, G495E, G392E, G304E, G360E, G389E, G443E, G308E.
Identifiers: ClinVar variation 1518615 (VCV001518615.9), dbSNP rs1064793846, ClinGen allele CA366741821.

ClinVar aggregate classification (germline): Uncertain significance. Review status: criteria provided, multiple submitters, no conflicts (2 of 4 stars). 2 submissions from 2 submitters: Uncertain significance (2). Last evaluated 2025-04-18.

Conditions:
Hereditary nonpolyposis colorectal neoplasms. Identifiers: MedGen C0009405, MeSH D003123.
Hereditary cancer-predisposing syndrome. Also called: Hereditary neoplastic syndrome; Hereditary Cancer Syndrome; Tumor predisposition; Neoplastic Syndromes, Hereditary. Identifiers: Orphanet 140162, MedGen C0027672, MeSH D009386, MONDO:0015356.

Allele frequency attached by ClinVar (database versions not stated): gnomAD exomes below 0.00001.

Submissions (2):

Labcorp Genetics (formerly Invitae), Labcorp
Classification: Uncertain significance for Hereditary nonpolyposis colorectal neoplasms. Last evaluated: 2025-04-18. Review status: criteria provided, single submitter. Criteria: Invitae Variant Classification Sherloc (09022015). Collection method: clinical testing. Allele origin: germline.
Comment: This sequence change replaces glycine, which is neutral and non-polar, with glutamic acid, which is acidic and polar, at codon 495 of the PMS2 protein (p.Gly495Glu). This variant is not present in population databases (gnomAD no frequency). This variant has not been reported in the literature in individuals affected with PMS2-related conditions. ClinVar contains an entry for this variant (Variation ID: 1518615). Invitae Evidence Modeling incorporating data from in vitro experimental studies (internal data) indicates that this missense variant is not expected to disrupt PMS2 function with a negative predictive value of 95%. In summary, the available evidence is currently insufficient to determine the role of this variant in disease. Therefore, it has been classified as a Variant of Uncertain Significance.

Ambry Genetics
Classification: Uncertain significance for Hereditary cancer-predisposing syndrome. Last evaluated: 2024-10-04. Review status: criteria provided, single submitter. Criteria: Ambry Variant Classification Scheme 2023. Collection method: clinical testing. Allele origin: germline.
Comment: The p.G495E variant (also known as c.1484G>A), located in coding exon 11 of the PMS2 gene, results from a G to A substitution at nucleotide position 1484. The glycine at codon 495 is replaced by glutamic acid, an amino acid with similar properties. This amino acid position is highly conserved in available vertebrate species. In addition, the in silico prediction for this alteration is inconclusive. Based on the available evidence, the clinical significance of this variant remains unclear.